The following is an entry in ClinVar:

ClinVar aggregate classification (germline): Conflicting classifications of pathogenicity. Review status: criteria provided, conflicting classifications (1 of 4 stars). 3 submissions from 3 submitters: Uncertain significance (2); Likely benign (1). Last evaluated 2026-03-03.

Conditions:
Hereditary cancer-predisposing syndrome. Also called: Neoplastic Syndromes, Hereditary; Hereditary neoplastic syndrome; Tumor predisposition; Hereditary Cancer Syndrome. Identifiers: Orphanet 140162, MedGen C0027672, MeSH D009386, MONDO:0015356.
Hereditary breast ovarian cancer syndrome. Also called: Hereditary breast and/or ovarian cancer syndrome; Hereditary breast and ovarian cancer syndrome; BRCA1- and BRCA2-Associated Hereditary Breast and Ovarian Cancer; Hereditary breast and ovarian cancer; Hereditary breast and ovarian cancer syndrome (HBOC); Breast and ovarian cancer. Identifiers: Orphanet 145, MedGen C0677776, MeSH D061325, MONDO:0003582. Disease mechanism: loss of function.

Submissions (3):

Ambry Genetics
Classification: Uncertain significance for Hereditary cancer-predisposing syndrome. Last evaluated: 2026-03-03. Review status: criteria provided, single submitter. Criteria: Ambry Variant Classification Scheme 2023. Collection method: clinical testing. Allele origin: germline.
Comment: The c.6938-5C>T intronic variant results from a C to T substitution 5 nucleotides upstream from coding exon 12 in the BRCA2 gene. This nucleotide position is not well conserved in available vertebrate species. In silico splice site analysis predicts that this alteration will not have any significant effect on splicing. Based on the available evidence, the clinical significance of this variant remains unclear.

Labcorp Genetics (formerly Invitae), Labcorp
Classification: Likely benign for Hereditary breast ovarian cancer syndrome. Last evaluated: 2023-04-07. Review status: criteria provided, single submitter. Criteria: Invitae Variant Classification Sherloc (09022015). Collection method: clinical testing. Allele origin: germline.

Quest Diagnostics Nichols Institute San Juan Capistrano
Classification: Uncertain significance. Last evaluated: 2020-01-21. Review status: criteria provided, single submitter. Criteria: Quest Diagnostics criteria. Collection method: clinical testing. Allele origin: unknown.

NM_000059.4(BRCA2):c.6938-5C>T

Gene: BRCA2 (BRCA2 DNA repair associated; plus strand). Cytogenetic location: 13q13.1.
Variant type: single nucleotide variant.
Coding change: c.6938-5C>T on transcript NM_000059.4 (MANE Select); 5 bases into the intron before coding-DNA position 6938, C replaced by T.
Molecular consequence: intron variant.
Genome position (GRCh38, 1-based): chr13:32,346,822, C>T. VCF-style: chr13-32346822-C-T. GRCh37 (hg19) VCF-style: chr13-32920959-C-T.
Identifiers: ClinVar variation 142612 (VCV000142612.14), dbSNP rs587782585, ClinGen allele CA024595.